The following is an entry in ClinVar:

NM_016203.4(PRKAG2):c.1233+7A>T

Gene: PRKAG2 (protein kinase AMP-activated non-catalytic subunit gamma 2; minus strand). Cytogenetic location: 7q36.1.
Variant type: single nucleotide variant.
Coding change: c.1233+7A>T on transcript NM_016203.4 (MANE Select); 7 bases into the intron after coding-DNA position 1233, A replaced by T.
Molecular consequence: intron variant.
Genome position (GRCh38, 1-based): chr7:151,568,709, T>A on the plus strand (A>T on the coding strand, the complement: PRKAG2 is on the minus strand). VCF-style: chr7-151568709-T-A. GRCh37 (hg19) VCF-style: chr7-151265795-T-A.
Other names: c.942+7A>T (NM_001407031.1); c.945+7A>T (NM_001407030.1); c.1230+7A>T (NM_001407023.1, NM_001407022.1); c.1233+7A>T (NM_001407021.1); c.915+7A>T (NM_001407032.1); c.1098+7A>T (NM_001407026.1, NM_001407027.1); c.1101+7A>T (NM_001040633.2, NM_001407024.1); c.909+7A>T (NM_001407033.1); and 6 more.
Identifiers: ClinVar variation 3053775 (VCV003053775.2), dbSNP rs2536327497, ClinGen allele CA2685699937.
Genomic context (GRCh38, chr7:151,568,709, plus strand): 5'-TTACTTGAAGTACATTATTTAATAAGTAAATGCAATTATGTCTTTAGAAACGCTAAAAAC[T>A]ACTTACAAAAAGCTGGAGGAACTTGAGGATTCTTTTGTGGGTAAGTATATAAAGTGCATT-3'

ClinVar aggregate classification (germline): Likely benign (0 of 4 stars; one submission).

Conditions:
PRKAG2-related disorder. Also called: PRKAG2-related disorders; PRKAG2-related condition.

gnomAD v4.1: 1 of 1,613,580 alleles (0.000062%); highest among the groups gnomAD compares: Admixed American, 0.0017%; no homozygotes.

Submission:

PreventionGenetics, part of Exact Sciences
Classification: Likely benign for PRKAG2-related condition. Last evaluated: 2023-02-15. Review status: no assertion criteria provided. Collection method: clinical testing. Allele origin: germline.
Comment: This variant is classified as likely benign based on ACMG/AMP sequence variant interpretation guidelines (Richards et al. 2015 PMID: 25741868, with internal and published modifications).